The following is an entry in ClinVar:

ClinVar aggregate classification (germline): Benign/Likely benign. Review status: criteria provided, multiple submitters, no conflicts (2 of 4 stars). 8 submissions from 8 submitters: Benign (2); Likely benign (2). 4 of the submissions do not count toward it. Last evaluated 2026-01-12.

Conditions:
GJA8-related disorder. Also called: GJA8-related condition.
Cataract 1 multiple types. Also called: CATARACT 1, POSTERIOR SUBCAPSULAR, WITH MICROCORNEA; CATARACT 1, STELLATE NUCLEAR, WITH MICROCORNEA; CATARACT, DUFFY-LINKED; CATARACT 1, NUCLEAR PROGRESSIVE; CATARACT 1 WITH MICROCORNEA; CATARACT 1, MULTIPLE TYPES, WITH OR WITHOUT MICROCORNEA. Identifiers: Orphanet 1377, MedGen C1861828, MONDO:0007285, OMIM 116200.

Allele frequency attached by ClinVar (database versions not stated): 1000 Genomes Project 30x 0.00062; 1000 Genomes Project 0.00080; TOPMed 0.00199; gnomAD 0.00355 and 0.00365.
gnomAD v4.1: 5,733 of 1,613,980 alleles (0.36%); highest among the groups gnomAD compares: Non-Finnish European, 0.38%; 25 homozygotes.

Submissions (8):

Labcorp Genetics (formerly Invitae), Labcorp
Classification: Benign for Cataract 1 multiple types. Last evaluated: 2026-01-12. Review status: criteria provided, single submitter. Criteria: Invitae Variant Classification Sherloc (09022015). Collection method: clinical testing. Allele origin: germline.

CeGaT Center for Human Genetics Tuebingen
Classification: Benign. Last evaluated: 2024-12-01. Review status: criteria provided, single submitter. Criteria: CeGaT Center For Human Genetics Tuebingen Variant Classification Criteria Version 2. Collection method: clinical testing. Allele origin: germline. Affected: yes. Observed: 6 variant alleles.
Comment: GJA8: BS1, BS2

Dept. Genetics and Cancer, Menzies Institute for Medical Research, University of Tasmania
Classification: Likely benign for Cataract 1 multiple types. Last evaluated: 2023-01-21. Review status: criteria provided, single submitter. Criteria: ACMG Guidelines, 2015. Collection method: curation. Allele origin: germline. Affected: yes.
Comment: Variant identified and curated during a GJA8 specific review of the literature in relation to pediatric or congenital cataract. ACMG-AMP criteria applied: BS1, BP4, BP5. Original variant report: PMID:11846744;1975179;23508780. The cataract phenotype/s reported for this variant are: Pulverulent, and diffuse white opacities. Proband reported with this variant has an alternate variant in CRYBB1 reported to be causative. Gene review and curation guidelines are outlined in: DOI 10.1080/17469899.2023.2160320

Illumina Laboratory Services, Illumina
Classification: Likely benign for Cataract 1 multiple types. Last evaluated: 2017-04-27. Review status: criteria provided, single submitter. Criteria: ICSL Variant Classification Criteria 13 December 2019. Collection method: clinical testing. Allele origin: germline.
Comment: This variant was observed as part of a predisposition screen in an ostensibly healthy population. A literature search was performed for the gene, cDNA change, and amino acid change (where applicable). Publications were found based on this search. The evidence from the literature, in combination with allele frequency data from public databases where available, was sufficient to determine this variant is unlikely to cause disease. Therefore, this variant is classified as likely benign.

PreventionGenetics, part of Exact Sciences
Classification: Benign for GJA8-related condition. Last evaluated: 2024-06-24. Review status: no assertion criteria provided. Collection method: clinical testing. Allele origin: germline. Not counted in ClinVar's aggregate classification.
Comment: This variant is classified as benign based on ACMG/AMP sequence variant interpretation guidelines (Richards et al. 2015 PMID: 25741868, with internal and published modifications).

OMIM
Classification: Pathogenic for CATARACT 1, ZONULAR PULVERULENT. Last evaluated: 2001-12-01. Review status: no assertion criteria provided. Collection method: literature only. Allele origin: germline. Not counted in ClinVar's aggregate classification.

Clinical Genetics DNA and cytogenetics Diagnostics Lab, Erasmus MC, Erasmus Medical Center
Classification: Likely benign. Review status: no assertion criteria provided. Collection method: clinical testing. Allele origin: germline. Affected: yes. Study: VKGL Data-share Consensus. Not counted in ClinVar's aggregate classification.

Laboratory of Diagnostic Genome Analysis, Leiden University Medical Center (LUMC)
Classification: Likely benign. Review status: no assertion criteria provided. Collection method: clinical testing. Allele origin: germline. Affected: yes. Study: VKGL Data-share Consensus. Not counted in ClinVar's aggregate classification.

Literature cited by the submitters: PubMed 11846744 (cited by Dept. Genetics and Cancer, Menzies Institute for Medical Research, University of Tasmania and OMIM); PubMed 1975179 (cited by Dept. Genetics and Cancer, Menzies Institute for Medical Research, University of Tasmania); PubMed 23508780 (cited by Dept. Genetics and Cancer, Menzies Institute for Medical Research, University of Tasmania and Illumina Laboratory Services, Illumina); PubMed 14627691 (cited by Illumina Laboratory Services, Illumina).

NM_005267.5(GJA8):c.741T>G (p.Ile247Met)

Gene: GJA8 (gap junction protein alpha 8; plus strand). Cytogenetic location: 1q21.2.
Variant type: single nucleotide variant.
Coding change: c.741T>G on transcript NM_005267.5 (MANE Select); coding-DNA position 741, T replaced by G.
Protein change: p.Ile247Met; replaces isoleucine 247 with methionine.
Molecular consequence: missense variant.
Genome position (GRCh38, 1-based): chr1:147,908,696, T>G. VCF-style: chr1-147908696-T-G. GRCh37 (hg19) VCF-style: chr1-147380823-T-G.
Other names: short protein forms I247M.
Identifiers: ClinVar variation 8723 (VCV000008723.40), dbSNP rs80358202, ClinGen allele CA119864.